The following is an entry in ClinVar:

GRCh37/hg19 1p36.33-36.32(chr1:849467-2972435)x1

Genes: ANKRD65 (ankyrin repeat domain 65; minus strand), ATAD3A (ATPase family AAA domain containing 3A; plus strand), ATAD3B (ATPase family AAA domain containing 3B; plus strand), ATAD3C (ATPase family AAA domain containing 3C; plus strand), AURKAIP1 (aurora kinase A interacting protein 1; minus strand) and 60 more. Cytogenetic location: 1p36.33-36.32.
Variant type: copy number loss.
Change: copy number 1 (one copy instead of two) of chr1:849,467-2,972,435 (2.12 Mb, GRCh37 coordinates, 1-based), cytogenetic band 1p36.33-36.32.
Identifiers: ClinVar variation 1807723 (VCV001807723.1).

ClinVar aggregate classification (germline): Pathogenic (1 of 4 stars; one submission).

Submission:

Quest Diagnostics Nichols Institute San Juan Capistrano
Classification: Pathogenic. Last evaluated: 2021-07-26. Review status: criteria provided, single submitter. Criteria: ACMG/ClinGen CNV Guidelines, 2019. Collection method: clinical testing. Allele origin: unknown.
Comment: The terminal 1pterp36.32 deletion involves multiple protein coding genes, including DVL1 (OMIM 601365) and GABRD (OMIM 137163), and is expected to cause phenotypic and/or developmental abnormalities. Deletions of this locus have been associated with chromosome 1p36 deletion syndrome (OMIM 607872), which causes multiple congenital anomalies and intellectual disability (Shapira et al., Am. J. Hum. Genet. 61: 642-650, 1997. PMID: 9326330). There is little correlation between the deletion size and the number of clinical features present, although the severity may correlate with the deletion size (Shiba, et al., Acta Neuropathol Commun. 2013 Aug 2;1(1):45. PMID: 24252393). It has been suggested that some features of monosomy 1p36 might result from positional effects rather than a simple contiguous gene deletion (Redon et al., J Med Genet. 2005 Feb;42(2):166-71. PMID: 15689456). Nevertheless, candidate genes have been suggested, including DVL1 for the developmental delay phenotype, GABRD for the epilepsy phenotype, and PRKCZ for the cardiac abnormalities, all of which are involved in the current deletion (Collu et al., Am J Med Genet A. 2016 Jul;170(7):1889-94. PMID: 27144803; D'Angelo et al., Am J Med Genet A. 2010 Jan;152A(1):102-10. PMID: 20034100; Shimada et al., Brain Dev. 2015 May;37(5):515-26. PMID: 25172301). Furthermore, heterozygous pathogenic sequence variants including loss-of-function variants of DVL1 have been associated with autosomal dominant Robinow syndrome-2 (OMIM 616331), which is a rare skeletal dysplasia. This large deletion also includes a few additional genes that are associated with autosomal dominant OMIM phenotype: SKI (OMIM 182212), GABRD (OMIM 613060), GNB1(OMIM 616973), TMEM240 (OMIM 607454), and ATAD3A (OMIM 617183).